The following is an entry in ClinVar:

ClinVar aggregate classification (germline): Uncertain significance (1 of 4 stars; one submission).

Conditions:
DNMT3A-related disorder. Also called: DNMT3A-related disorders; DNMT3A-related condition.

gnomAD v4.1: 3 of 1,585,836 alleles (0.00019%); highest among the groups gnomAD compares: Non-Finnish European, 0.00026%; no homozygotes.

Submission:

PreventionGenetics, part of Exact Sciences
Classification: Uncertain significance for DNMT3A-related condition. Last evaluated: 2025-07-24. Review status: criteria provided, single submitter. Criteria: ACMG Guidelines, 2015. Collection method: clinical testing. Allele origin: germline.
Comment: The DNMT3A c.473T>A variant is predicted to result in the amino acid substitution p.Ile158Asn. To our knowledge, this variant has not been reported in the literature or in a large population database (gnomAD), indicating this variant is rare. At this time, the clinical significance of this variant is uncertain due to the absence of conclusive functional and genetic evidence.

NM_022552.5(DNMT3A):c.473T>A (p.Ile158Asn)

Genes: DNMT3A (DNA methyltransferase 3 alpha; minus strand), LOC129933290 (ATAC-STARR-seq lymphoblastoid active region 15445; plus strand). Cytogenetic location: 2p23.3.
Variant type: single nucleotide variant.
Coding change: c.473T>A on transcript NM_022552.5 (MANE Select); coding-DNA position 473, T replaced by A.
Protein change: p.Ile158Asn; replaces isoleucine 158 with asparagine.
Molecular consequence: missense variant. On other transcripts: non-coding transcript variant (1).
Genome position (GRCh38, 1-based): chr2:25,275,519, A>T on the plus strand (T>A on the coding strand, the complement: DNMT3A is on the minus strand). VCF-style: chr2-25275519-A-T. GRCh37 (hg19) VCF-style: chr2-25498388-A-T.
Other names: c.473T>A, p.Ile158Asn (NM_175629.2); short protein forms I158N.
Identifiers: ClinVar variation 5002487 (VCV005002487.1).